The following is an entry in ClinVar:

NM_000169.3(GLA):c.451TAC[3] (p.Tyr152_Asp153insTyr)

Genes: GLA (galactosidase alpha; minus strand), RPL36A-HNRNPH2 (RPL36A-HNRNPH2 readthrough; plus strand). Cytogenetic location: Xq22.1.
Variant type: Microsatellite.
Coding change: c.451TAC[3] on transcript NM_000169.3 (MANE Select); three copies in a row of the 3-base unit TAC starting at c.451; the reference has two copies in a row; one copy, 3 bases duplicated; also written c.454_456dup.
Protein change: p.Tyr152_Asp153insTyr.
Molecular consequence: inframe insertion. On other transcripts: non-coding transcript variant (3), intron variant (2).
Genome position (GRCh38, 1-based): chrX:101,401,723-101,401,725, GTA duplicated on the plus strand (TAC on the coding strand, the reverse complement: GLA is on the minus strand); duplicating any 3 consecutive bases within chrX:101,401,723-101,401,728 gives the same sequence; the position shown is the placement nearest the transcript's 3' end. VCF-style (leftmost placement, unchanged base first): chrX-101401722-C-CGTA. GRCh37 (hg19) VCF-style: chrX-100656710-C-CGTA.
Other names: c.574TAC[3], p.Tyr193_Asp194insTyr (NM_001406747.1, NM_001406749.1); c.451TAC[3], p.Tyr152_Asp153insTyr (NM_001406748.1); c.300+6266GTA[3] (NM_001199973.2); c.177+9901GTA[3] (NM_001199974.2); c.454_456dup (NM_000169.3).
Identifiers: ClinVar variation 4087242 (VCV004087242.2).

ClinVar aggregate classification (germline): Uncertain significance (1 of 4 stars; one submission).

Conditions:
Fabry disease. Also called: ALPHA-GALACTOSIDASE A DEFICIENCY; ANDERSON-FABRY DISEASE; CERAMIDE TRIHEXOSIDASE DEFICIENCY; GLA DEFICIENCY; HEREDITARY DYSTOPIC LIPIDOSIS; Angiokeratoma corporis diffusum. Identifiers: Orphanet 324, MedGen C0002986, MONDO:0010526, OMIM 301500, HP:0001071. Disease mechanism: Fabry disease is due to inactivating mutations in the X-linked GLA gene resulting in deficiency of the enzyme Alpha Galactosidase-A., loss of function.

Submission:

Genomenon, Inc
Classification: Uncertain significance for Fabry disease. Last evaluated: 2026-09-08. Review status: criteria provided, single submitter. Criteria: Genomenon Sequence Variant Interpretation Standards - Updated. Collection method: curation. Allele origin: germline. Affected: yes.
Comment: GLA p.Tyr152dup (c.454_456dup) is an in-frame duplication variant that results in the duplication of Tyrosine at codon 152. This variant has been observed in at least one proband with clinical features consistent with Fabry disease (PMID:37480128). Functional or patient cell studies have been reported (PMID:37480128). It is absent or not present at a significant frequency in gnomAD. In conclusion, we classify GLA p.Tyr152dup (c.454_456dup) as a variant of uncertain significance.

Literature cited by the submitters: PubMed 37480128.